The following is an entry in ClinVar:

NM_004304.5(ALK):c.1833G>A (p.Met611Ile)

Gene: ALK (ALK receptor tyrosine kinase; minus strand). Cytogenetic location: 2p23.2.
Variant type: single nucleotide variant.
Coding change: c.1833G>A on transcript NM_004304.5 (MANE Select); coding-DNA position 1833, G replaced by A.
Protein change: p.Met611Ile; replaces methionine 611 with isoleucine.
Molecular consequence: missense variant.
Genome position (GRCh38, 1-based): chr2:29,275,481, C>T on the plus strand (G>A on the coding strand, the complement: ALK is on the minus strand). VCF-style: chr2-29275481-C-T. GRCh37 (hg19) VCF-style: chr2-29498347-C-T.
Other names: short protein forms M611I.
Identifiers: ClinVar variation 1439779 (VCV001439779.10), dbSNP rs1302907379, ClinGen allele CA346480023.

ClinVar aggregate classification (germline): Conflicting classifications of pathogenicity. Review status: criteria provided, conflicting classifications (1 of 4 stars). 2 submissions from 2 submitters: Uncertain significance (1); Likely benign (1). Last evaluated 2026-01-22.

Conditions:
Hereditary cancer-predisposing syndrome. Also called: Neoplastic Syndromes, Hereditary; Hereditary Cancer Syndrome; Tumor predisposition; Hereditary neoplastic syndrome. Identifiers: Orphanet 140162, MedGen C0027672, MeSH D009386, MONDO:0015356.
Neuroblastoma, susceptibility to, 3. Also called: ALK-Related Neuroblastic Tumor Susceptibility. Identifiers: Orphanet 635, MedGen C2751681, MONDO:0013083, OMIM 613014.

Allele frequency attached by ClinVar (database versions not stated): gnomAD exomes below 0.00001; gnomAD 0.00001; TOPMed 0.00001.
gnomAD v4.1: 5 of 1,614,012 alleles (0.00031%); highest among the groups gnomAD compares: Non-Finnish European, 0.00034%; no homozygotes.

Submissions (2):

Labcorp Genetics (formerly Invitae), Labcorp
Classification: Uncertain significance for Neuroblastoma, susceptibility to, 3. Last evaluated: 2026-01-22. Review status: criteria provided, single submitter. Criteria: Invitae Variant Classification Sherloc (09022015). Collection method: clinical testing. Allele origin: germline.
Comment: This sequence change replaces methionine, which is neutral and non-polar, with isoleucine, which is neutral and non-polar, at codon 611 of the ALK protein (p.Met611Ile). This variant is not present in population databases (gnomAD no frequency). This variant has not been reported in the literature in individuals affected with ALK-related conditions. ClinVar contains an entry for this variant (Variation ID: 1439779). An algorithm developed to predict the effect of missense changes on protein structure and function outputs the following: PolyPhen-2: "Benign". The isoleucine amino acid residue is found in multiple mammalian species, which suggests that this missense change does not adversely affect protein function. In summary, the available evidence is currently insufficient to determine the role of this variant in disease. Therefore, it has been classified as a Variant of Uncertain Significance.

Ambry Genetics
Classification: Likely benign for Hereditary cancer-predisposing syndrome. Last evaluated: 2022-03-02. Review status: criteria provided, single submitter. Criteria: Ambry Variant Classification Scheme 2023. Collection method: clinical testing. Allele origin: germline.